The following is an entry in ClinVar:

NM_152564.5(VPS13B):c.6493G>A (p.Asp2165Asn)

Gene: VPS13B (vacuolar protein sorting 13 homolog B; plus strand). Cytogenetic location: 8q22.2.
Variant type: single nucleotide variant.
Coding change: c.6493G>A on transcript NM_152564.5 (MANE Select); coding-DNA position 6493, G replaced by A.
Protein change: p.Asp2165Asn; replaces aspartic acid 2165 with asparagine.
Molecular consequence: missense variant.
Genome position (GRCh38, 1-based): chr8:99,717,209, G>A. VCF-style: chr8-99717209-G-A. GRCh37 (hg19) VCF-style: chr8-100729437-G-A.
Other names: c.6568G>A, p.Asp2190Asn (NM_017890.5); c.6568G>A (NM_017890.3); short protein forms D2165N, D2190N.
Identifiers: ClinVar variation 2048127 (VCV002048127.6), dbSNP rs763541177, ClinGen allele CA4824015.
Genomic context (GRCh38, chr8:99,717,209, plus strand): 5'-CTCTTCTGTATTTTTTTTTCAGGCATAATTCTTGGGTCATCATTTCTACTCAGTATAAAC[G>A]ATTTTCTCCTTAAAACAAGTCTCAAAGAAAGAAGCCGCATTCTGATAGGACCATGTTGTG-3'
Protein context (NP_689777.3, residues 2155-2175): LGSSFLLSIN[Asp2165Asn]FLLKTSLKER

ClinVar aggregate classification (germline): Uncertain significance. Review status: criteria provided, multiple submitters, no conflicts (2 of 4 stars). 3 submissions from 3 submitters: Uncertain significance (3). Last evaluated 2026-09-21.

Conditions:
VPS13B-related disorder. Also called: VPS13B-related condition.
Inborn genetic diseases. Identifiers: MedGen C0950123, MeSH D030342.
Cohen syndrome (COH1). Also called: Cutis verticis gyrata, retinitis pigmentosa, and sensorineural deafness; PEPPER SYNDROME. Identifiers: Orphanet 193, MedGen C0265223, MONDO:0008999, OMIM 216550.

Allele frequency attached by ClinVar (database versions not stated): ExAC 0.00001.
gnomAD v4.1: 9 of 1,613,418 alleles (0.00056%); highest among the groups gnomAD compares: Non-Finnish European, 0.00025%; no homozygotes.

Submissions (3):

PreventionGenetics, part of Exact Sciences
Classification: Uncertain significance for VPS13B-related condition. Last evaluated: 2026-09-21. Review status: criteria provided, single submitter. Criteria: ACMG Guidelines, 2015. Collection method: clinical testing. Allele origin: germline.
Comment: The VPS13B c.6493G>A variant is predicted to result in the amino acid substitution p.Asp2165Asn. To our knowledge, this variant has not been reported in the literature. This variant is reported in 0.0046% of alleles in individuals of European (Finnish) descent in gnomAD. At this time, the clinical significance of this variant is uncertain due to the absence of conclusive functional and genetic evidence.

Ambry Genetics
Classification: Uncertain significance for Inborn genetic diseases. Last evaluated: 2025-09-01. Review status: criteria provided, single submitter. Criteria: Ambry Variant Classification Scheme 2023. Collection method: clinical testing. Allele origin: germline.

Labcorp Genetics (formerly Invitae), Labcorp
Classification: Uncertain significance for Cohen syndrome. Last evaluated: 2024-11-05. Review status: criteria provided, single submitter. Criteria: Invitae Variant Classification Sherloc (09022015). Collection method: clinical testing. Allele origin: germline.
Comment: This sequence change replaces aspartic acid with asparagine at codon 2190 of the VPS13B protein (p.Asp2190Asn). The aspartic acid residue is moderately conserved and there is a small physicochemical difference between aspartic acid and asparagine. The frequency data for this variant in the population databases is considered unreliable, as metrics indicate poor data quality at this position in the gnomAD database. This variant has not been reported in the literature in individuals affected with VPS13B-related conditions. ClinVar contains an entry for this variant (Variation ID: 2048127). Invitae Evidence Modeling of protein sequence and biophysical properties (such as structural, functional, and spatial information, amino acid conservation, physicochemical variation, residue mobility, and thermodynamic stability) has been performed for this missense variant. However, the output from this modeling did not meet the statistical confidence thresholds required to predict the impact of this variant on VPS13B protein function. In summary, the available evidence is currently insufficient to determine the role of this variant in disease. Therefore, it has been classified as a Variant of Uncertain Significance.